The following is an entry in ClinVar:

ClinVar aggregate classification (germline): Uncertain significance. Review status: criteria provided, multiple submitters, no conflicts (2 of 4 stars). 2 submissions from 2 submitters: Uncertain significance (2). Last evaluated 2026-05-11.

Conditions:
Inborn genetic diseases. Identifiers: MedGen C0950123, MeSH D030342.
Progressive myoclonic epilepsy type 7. Identifiers: Orphanet 435438, MedGen C4015420, MONDO:0014521, OMIM 616187.

Allele frequency attached by ClinVar (database versions not stated): TOPMed 0.00002; gnomAD exomes 0.00001.

Submissions (2):

Ambry Genetics
Classification: Uncertain significance for Inborn genetic diseases. Last evaluated: 2026-05-11. Review status: criteria provided, single submitter. Criteria: Ambry Variant Classification Scheme 2023. Collection method: clinical testing. Allele origin: germline.
Comment: The c.563A>G (p.Y188C) alteration is located in exon 1 (coding exon 1) of the KCNC1 gene. This alteration results from a A to G substitution at nucleotide position 563, causing the tyrosine (Y) at amino acid position 188 to be replaced by a cysteine (C). Based on data from gnomAD, the G allele has an overall frequency of 0.001% (1/139740) total alleles studied. The highest observed frequency was 0.002% (1/62870) of European (non-Finnish) alleles. Based on insufficient or conflicting evidence, the clinical significance of this alteration remains unclear.

Labcorp Genetics (formerly Invitae), Labcorp
Classification: Uncertain significance for Progressive myoclonic epilepsy type 7. Last evaluated: 2025-05-02. Review status: criteria provided, single submitter. Criteria: Invitae Variant Classification Sherloc (09022015). Collection method: clinical testing. Allele origin: germline.
Comment: This sequence change replaces tyrosine, which is neutral and polar, with cysteine, which is neutral and slightly polar, at codon 188 of the KCNC1 protein (p.Tyr188Cys). The frequency data for this variant in the population databases is considered unreliable, as metrics indicate poor data quality at this position in the gnomAD database. This variant has not been reported in the literature in individuals affected with KCNC1-related conditions. ClinVar contains an entry for this variant (Variation ID: 588275). Invitae Evidence Modeling of protein sequence and biophysical properties (such as structural, functional, and spatial information, amino acid conservation, physicochemical variation, residue mobility, and thermodynamic stability) indicates that this missense variant is not expected to disrupt KCNC1 protein function with a negative predictive value of 80%. In summary, the available evidence is currently insufficient to determine the role of this variant in disease. Therefore, it has been classified as a Variant of Uncertain Significance.

NM_001112741.2(KCNC1):c.563A>G (p.Tyr188Cys)

Gene: KCNC1 (potassium voltage-gated channel subfamily C member 1; plus strand). Cytogenetic location: 11p15.1.
Variant type: single nucleotide variant.
Coding change: c.563A>G on transcript NM_001112741.2 (MANE Select); coding-DNA position 563, A replaced by G.
Protein change: p.Tyr188Cys; replaces tyrosine 188 with cysteine.
Molecular consequence: missense variant.
Genome position (GRCh38, 1-based): chr11:17,736,565, A>G. VCF-style: chr11-17736565-A-G. GRCh37 (hg19) VCF-style: chr11-17758112-A-G.
Other names: c.563A>G, p.Tyr188Cys (NM_004976.4); short protein forms Y188C.
Identifiers: ClinVar variation 588275 (VCV000588275.12), dbSNP rs1027286161, ClinGen allele CA218497081.